The following is an entry in ClinVar:

NM_006269.2(RP1):c.2756G>T (p.Trp919Leu)

Gene: RP1 (RP1 axonemal microtubule associated; plus strand). Cytogenetic location: 8q12.1.
Variant type: single nucleotide variant.
Coding change: c.2756G>T on transcript NM_006269.2 (MANE Select); coding-DNA position 2756, G replaced by T.
Protein change: p.Trp919Leu; replaces tryptophan 919 with leucine.
Molecular consequence: missense variant. On other transcripts: intron variant (1).
Genome position (GRCh38, 1-based): chr8:54,626,638, G>T. VCF-style: chr8-54626638-G-T. GRCh37 (hg19) VCF-style: chr8-55539198-G-T.
Other names: c.787+4350G>T (NM_001375654.1); short protein forms W919L.
Identifiers: ClinVar variation 1917847 (VCV001917847.6), dbSNP rs779290365, ClinGen allele CA4751580.

ClinVar aggregate classification (germline): Uncertain significance. Review status: criteria provided, multiple submitters, no conflicts (2 of 4 stars). 2 submissions from 2 submitters: Uncertain significance (2). Last evaluated 2024-06-29.

Allele frequency attached by ClinVar (database versions not stated): ExAC 0.00001.
gnomAD v4.1: 1 of 1,613,796 alleles (0.000062%); highest among the groups gnomAD compares: Non-Finnish European, 0.000085%; no homozygotes.

Submissions (2):

Labcorp Genetics (formerly Invitae), Labcorp
Classification: Uncertain significance. Last evaluated: 2024-06-29. Review status: criteria provided, single submitter. Criteria: Invitae Variant Classification Sherloc (09022015). Collection method: clinical testing. Allele origin: germline.
Comment: This sequence change replaces tryptophan, which is neutral and slightly polar, with leucine, which is neutral and non-polar, at codon 919 of the RP1 protein (p.Trp919Leu). This variant is present in population databases (rs779290365, gnomAD 0.0009%). This variant has not been reported in the literature in individuals affected with RP1-related conditions. ClinVar contains an entry for this variant (Variation ID: 1917847). An algorithm developed to predict the effect of missense changes on protein structure and function (PolyPhen-2) suggests that this variant is likely to be disruptive. In summary, the available evidence is currently insufficient to determine the role of this variant in disease. Therefore, it has been classified as a Variant of Uncertain Significance.

Blueprint Genetics
Classification: Uncertain significance. Last evaluated: 2022-12-23. Review status: criteria provided, single submitter. Criteria: ACMG Guidelines, 2015. Collection method: clinical testing. Allele origin: germline.